The following is an entry in ClinVar:

ClinVar aggregate classification (germline): Likely benign. Review status: criteria provided, multiple submitters, no conflicts (2 of 4 stars). 2 submissions from 2 submitters: Likely benign (2). Last evaluated 2025-05-21.

Conditions:
ADGRV1-related disorder. Also called: ADGRV1-related condition; ADGRV1-related disorders.

Allele frequency attached by ClinVar (database versions not stated): gnomAD exomes 0.00001; TOPMed 0.00001.
gnomAD v4.1: 3 of 1,611,022 alleles (0.00019%); highest among the groups gnomAD compares: Admixed American, 0.0034%; no homozygotes.

Submissions (2):

PreventionGenetics, part of Exact Sciences
Classification: Likely benign for ADGRV1-related condition. Last evaluated: 2025-05-21. Review status: criteria provided, single submitter. Criteria: ACMG Guidelines, 2015. Collection method: clinical testing. Allele origin: germline.
Comment: This variant is classified as likely benign based on ACMG/AMP sequence variant interpretation guidelines (Richards et al. 2015 PMID: 25741868, with internal and published modifications).

Labcorp Genetics (formerly Invitae), Labcorp
Classification: Likely benign. Last evaluated: 2024-12-09. Review status: criteria provided, single submitter. Criteria: Invitae Variant Classification Sherloc (09022015). Collection method: clinical testing. Allele origin: germline.

NM_032119.4(ADGRV1):c.13161C>T (p.Arg4387=)

Gene: ADGRV1 (adhesion G protein-coupled receptor V1; plus strand). Cytogenetic location: 5q14.3.
Variant type: single nucleotide variant.
Coding change: c.13161C>T on transcript NM_032119.4 (MANE Select); coding-DNA position 13161, C replaced by T.
Protein change: p.Arg4387=; no amino-acid change (arginine 4387 retained).
Molecular consequence: synonymous variant. On other transcripts: non-coding transcript variant (1).
Genome position (GRCh38, 1-based): chr5:90,781,508, C>T. VCF-style: chr5-90781508-C-T. GRCh37 (hg19) VCF-style: chr5-90077325-C-T.
Other names: c.13161C>T (NM_032119.3).
Identifiers: ClinVar variation 1543357 (VCV001543357.9), dbSNP rs1758844360, ClinGen allele CA445414706.